The following is an entry in ClinVar:

NM_007327.4(GRIN1):c.750C>T (p.Gly250=)

Gene: GRIN1 (glutamate ionotropic receptor NMDA type subunit 1; plus strand). Cytogenetic location: 9q34.3.
Variant type: single nucleotide variant.
Coding change: c.750C>T on transcript NM_007327.4 (MANE Select); coding-DNA position 750, C replaced by T.
Protein change: p.Gly250=; no amino-acid change (glycine 250 retained).
Molecular consequence: synonymous variant.
Genome position (GRCh38, 1-based): chr9:137,156,747, C>T. VCF-style: chr9-137156747-C-T. GRCh37 (hg19) VCF-style: chr9-140051199-C-T.
Other names: c.750C>T, p.Gly250= (NM_000832.7, NM_021569.4); c.813C>T, p.Gly271= (NM_001185090.2, NM_001185091.2).
Identifiers: ClinVar variation 2659808 (VCV002659808.24), dbSNP rs2538595360, ClinGen allele CA467850546.
Genomic context (GRCh38, chr9:137,156,747, plus strand): 5'-TGTATACCGCGCAGCCGCGATGCTGAACATGACGGGCTCCGGGTACGTGTGGCTGGTCGG[C>T]GAGCGCGAGATCTCGGGGAACGCCCTGCGCTACGCCCCAGACGGTGAGTGCTGGGCCTTG-3'
Protein context (NP_015566.1, residues 240-260): MTGSGYVWLV[Gly250=]EREISGNALR

ClinVar aggregate classification (germline): Likely benign (1 of 4 stars; one submission).

gnomAD v4.1: 1 of 1,586,270 alleles (0.000063%); no homozygotes.

Submission:

CeGaT Center for Human Genetics Tuebingen
Classification: Likely benign. Last evaluated: 2022-11-01. Review status: criteria provided, single submitter. Criteria: CeGaT Center For Human Genetics Tuebingen Variant Classification Criteria Version 2. Collection method: clinical testing. Allele origin: germline. Affected: yes. Observed: 1 variant allele.
Comment: GRIN1: PM2:Supporting, BP4, BP7